The following is an entry in ClinVar:

NM_001365308.1(BMPER):c.1920G>A (p.Pro640=)

Gene: BMPER (BMP binding endothelial regulator; plus strand). Cytogenetic location: 7p14.3.
Variant type: single nucleotide variant.
Coding change: c.1920G>A on transcript NM_001365308.1 (MANE Select); coding-DNA position 1920, G replaced by A.
Protein change: p.Pro640=; no amino-acid change (proline 640 retained).
Molecular consequence: synonymous variant.
Genome position (GRCh38, 1-based): chr7:34,153,135, G>A. VCF-style: chr7-34153135-G-A. GRCh37 (hg19) VCF-style: chr7-34192747-G-A.
Other names: c.1920G>A, p.Pro640= (NM_133468.5).
Identifiers: ClinVar variation 733222 (VCV000733222.12), dbSNP rs138208962, ClinGen allele CA4215563.
Genomic context (GRCh38, chr7:34,153,135, plus strand): 5'-CTCCTTCTCTTTTTCAGCCACCCAGTGTAAGCATGGTGCTGTGTACGATACCTGTGGTCC[G>A]GGATGTATCAAGACGTGTGACAACTGGAATGAAATTGGTCCATGCAACAAGCCGTGCGTT-3'
Protein context (NP_001352237.1, residues 630-650): KHGAVYDTCG[Pro640=]GCIKTCDNWN

ClinVar aggregate classification (germline): Benign. Review status: criteria provided, single submitter (1 of 4 stars). 2 submissions from 2 submitters: Benign (1). 1 of the submissions does not count toward it. Last evaluated 2025-04-10.

Conditions:
BMPER-related disorder. Also called: BMPER-related condition.

Allele frequency attached by ClinVar (database versions not stated): ESP Exome Variant Server 0.00169; TOPMed 0.00170; 1000 Genomes Project 0.00240; 1000 Genomes Project 30x 0.00265.
gnomAD v4.1: 437 of 1,613,920 alleles (0.027%); highest among the groups gnomAD compares: African/African-American, 0.47%; 1 homozygote.

Submissions (2):

Labcorp Genetics (formerly Invitae), Labcorp
Classification: Benign. Last evaluated: 2025-04-10. Review status: criteria provided, single submitter. Criteria: Invitae Variant Classification Sherloc (09022015). Collection method: clinical testing. Allele origin: germline.

PreventionGenetics, part of Exact Sciences
Classification: Likely benign for BMPER-related condition. Last evaluated: 2019-05-03. Review status: no assertion criteria provided. Collection method: clinical testing. Allele origin: germline. Not counted in ClinVar's aggregate classification.
Comment: This variant is classified as likely benign based on ACMG/AMP sequence variant interpretation guidelines (Richards et al. 2015 PMID: 25741868, with internal and published modifications).